The following is an entry in ClinVar:

NM_017654.4(SAMD9):c.3307C>G (p.Leu1103Val)

Gene: SAMD9 (sterile alpha motif domain containing 9; minus strand). Cytogenetic location: 7q21.2.
Variant type: single nucleotide variant.
Coding change: c.3307C>G on transcript NM_017654.4 (MANE Select); coding-DNA position 3307, C replaced by G.
Protein change: p.Leu1103Val; replaces leucine 1103 with valine.
Molecular consequence: missense variant.
Genome position (GRCh38, 1-based): chr7:93,102,791, G>C on the plus strand (C>G on the coding strand, the complement: SAMD9 is on the minus strand). VCF-style: chr7-93102791-G-C. GRCh37 (hg19) VCF-style: chr7-92732104-G-C.
Other names: c.3307C>G, p.Leu1103Val (NM_001193307.2); c.3307C>G (NM_017654.3); short protein forms L1103V.
Identifiers: ClinVar variation 1351202 (VCV001351202.6), dbSNP rs746799013, ClinGen allele CA368185936.
Genomic context (GRCh38, chr7:93,102,791, plus strand): 5'-GTGTATCTGAGATATAAGAATTGTCAGGTTCTATGATTTTTGCTTGTTTTGCCCAGTTTA[G>C]AGCATTGCCAAAGTCCTTCTTTTTAATGTAGAAATGTCTTGCCAACGCTTGGCAAATGAA-3'
Protein context (NP_060124.2, residues 1093-1113): YIKKKDFGNA[Leu1103Val]NWAKQAKIIE

ClinVar aggregate classification (germline): Uncertain significance. Review status: criteria provided, multiple submitters, no conflicts (2 of 4 stars). 2 submissions from 2 submitters: Uncertain significance (2). Last evaluated 2025-03-30.

Conditions:
Inborn genetic diseases. Identifiers: MedGen C0950123, MeSH D030342.

Allele frequency attached by ClinVar (database versions not stated): TOPMed 0.00001.

Submissions (2):

Ambry Genetics
Classification: Uncertain significance for Inborn genetic diseases. Last evaluated: 2025-03-30. Review status: criteria provided, single submitter. Criteria: Ambry Variant Classification Scheme 2023. Collection method: clinical testing. Allele origin: germline.
Comment: The p.L1103V variant (also known as c.3307C>G), located in coding exon 1 of the SAMD9 gene, results from a C to G substitution at nucleotide position 3307. The leucine at codon 1103 is replaced by valine, an amino acid with highly similar properties. This amino acid position is conserved. In addition, this alteration is predicted to be tolerated by in silico analysis. Based on the available evidence, the clinical significance of this variant remains unclear.

Labcorp Genetics (formerly Invitae), Labcorp
Classification: Uncertain significance. Last evaluated: 2021-08-31. Review status: criteria provided, single submitter. Criteria: Invitae Variant Classification Sherloc (09022015). Collection method: clinical testing. Allele origin: germline.
Comment: This sequence change replaces leucine with valine at codon 1103 of the SAMD9 protein (p.Leu1103Val). The leucine residue is highly conserved and there is a small physicochemical difference between leucine and valine. This variant is not present in population databases (ExAC no frequency). This variant has not been reported in the literature in individuals affected with SAMD9-related conditions. Algorithms developed to predict the effect of missense changes on protein structure and function are either unavailable or do not agree on the potential impact of this missense change (SIFT: "Deleterious"; PolyPhen-2: "Possibly Damaging"; Align-GVGD: "Class C0"). In summary, the available evidence is currently insufficient to determine the role of this variant in disease. Therefore, it has been classified as a Variant of Uncertain Significance.